The following is an entry in ClinVar:

NM_004168.4(SDHA):c.1099C>G (p.Gln367Glu)

Gene: SDHA (succinate dehydrogenase complex flavoprotein subunit A; plus strand). Cytogenetic location: 5p15.33.
Variant type: single nucleotide variant.
Coding change: c.1099C>G on transcript NM_004168.4 (MANE Select); coding-DNA position 1099, C replaced by G.
Protein change: p.Gln367Glu; replaces glutamine 367 with glutamic acid.
Molecular consequence: missense variant.
Genome position (GRCh38, 1-based): chr5:235,178, C>G. VCF-style: chr5-235178-C-G. GRCh37 (hg19) VCF-style: chr5-235293-C-G.
Other names: c.955C>G, p.Gln319Glu (NM_001294332.2); c.1099C>G, p.Gln367Glu (NM_001330758.2); c.1099C>G (NM_004168.2); short protein forms Q367E, Q319E.
Identifiers: ClinVar variation 651462 (VCV000651462.16), dbSNP rs780941330, ClinGen allele CA3173112.
Genomic context (GRCh38, chr5:235,178, plus strand): 5'-TATGTGATGGTGTTCTGTCTTACCAGAGGCTGTGGCCCTGAGAAAGATCACGTCTACCTG[C>G]AGCTGCACCACCTACCTCCAGAGCAGCTGGCCACGCGCCTGCCTGGCATTTCAGAGACAG-3'
Protein context (NP_004159.2, residues 357-377): CGPEKDHVYL[Gln367Glu]LHHLPPEQLA

ClinVar aggregate classification (germline): Uncertain significance. Review status: criteria provided, multiple submitters, no conflicts (2 of 4 stars). 2 submissions from 2 submitters: Uncertain significance (2). Last evaluated 2025-01-10.

Conditions:
Pheochromocytoma/paraganglioma syndrome 5. Also called: Paragangliomas 5; SDHA-Related Hereditary Paraganglioma-Pheochromocytoma Syndrome. Identifiers: Orphanet 29072, MedGen C3279992, MONDO:0013602, OMIM 614165.
Mitochondrial complex II deficiency, nuclear type 1. Also called: SUCCINATE CoQ REDUCTASE DEFICIENCY. Identifiers: Orphanet 3208, MedGen C5700310, MONDO:0100294, OMIM 252011.
Hereditary cancer-predisposing syndrome. Also called: Tumor predisposition; Neoplastic Syndromes, Hereditary; Hereditary Cancer Syndrome; Hereditary neoplastic syndrome. Identifiers: Orphanet 140162, MedGen C0027672, MeSH D009386, MONDO:0015356.

Allele frequency attached by ClinVar (database versions not stated): TOPMed below 0.00001; ExAC 0.00001; gnomAD 0.00001.
gnomAD v4.1: 2 of 1,613,900 alleles (0.00012%); highest among the groups gnomAD compares: African/African-American, 0.0027%; no homozygotes.

Submissions (2):

Ambry Genetics
Classification: Uncertain significance for Hereditary cancer-predisposing syndrome. Last evaluated: 2025-01-10. Review status: criteria provided, single submitter. Criteria: Ambry Variant Classification Scheme 2023. Collection method: clinical testing. Allele origin: germline.
Comment: The p.Q367E variant (also known as c.1099C>G), located in coding exon 9 of the SDHA gene, results from a C to G substitution at nucleotide position 1099. The glutamine at codon 367 is replaced by glutamic acid, an amino acid with highly similar properties. This amino acid position is conserved. In addition, the in silico prediction for this alteration is inconclusive. Since supporting evidence is limited at this time, the clinical significance of this alteration remains unclear.

Labcorp Genetics (formerly Invitae), Labcorp
Classification: Uncertain significance for Pheochromocytoma/paraganglioma syndrome 5; Mitochondrial complex II deficiency, nuclear type 1. Last evaluated: 2024-11-21. Review status: criteria provided, single submitter. Criteria: Invitae Variant Classification Sherloc (09022015). Collection method: clinical testing. Allele origin: germline.
Comment: This sequence change replaces glutamine, which is neutral and polar, with glutamic acid, which is acidic and polar, at codon 367 of the SDHA protein (p.Gln367Glu). This variant is present in population databases (rs780941330, gnomAD 0.01%). This variant has not been reported in the literature in individuals affected with SDHA-related conditions. ClinVar contains an entry for this variant (Variation ID: 651462). Invitae Evidence Modeling of protein sequence and biophysical properties (such as structural, functional, and spatial information, amino acid conservation, physicochemical variation, residue mobility, and thermodynamic stability) indicates that this missense variant is not expected to disrupt SDHA protein function with a negative predictive value of 95%. In summary, the available evidence is currently insufficient to determine the role of this variant in disease. Therefore, it has been classified as a Variant of Uncertain Significance.